The following is an entry in ClinVar:

ClinVar aggregate classification (germline): Benign. Review status: criteria provided, single submitter (1 of 4 stars). 2 submissions from 2 submitters: Benign (1). 1 of the submissions does not count toward it. Last evaluated 2026-01-26.

Conditions:
REPS1-related disorder. Also called: REPS1-related condition.

Allele frequency attached by ClinVar (database versions not stated): gnomAD exomes 0.00036 and 0.00092; ExAC 0.00118; gnomAD 0.00364 and 0.00387; TOPMed 0.00386; ESP Exome Variant Server 0.00415; 1000 Genomes Project 0.00459; 1000 Genomes Project 30x 0.00515.
gnomAD v4.1: 1,119 of 1,613,404 alleles (0.069%); highest among the groups gnomAD compares: African/African-American, 1.3%; 5 homozygotes.

Submissions (2):

Labcorp Genetics (formerly Invitae), Labcorp
Classification: Benign. Last evaluated: 2026-01-26. Review status: criteria provided, single submitter. Criteria: Invitae Variant Classification Sherloc (09022015). Collection method: clinical testing. Allele origin: germline.

PreventionGenetics, part of Exact Sciences
Classification: Benign for REPS1-related condition. Last evaluated: 2019-06-07. Review status: no assertion criteria provided. Collection method: clinical testing. Allele origin: germline. Not counted in ClinVar's aggregate classification.
Comment: This variant is classified as benign based on ACMG/AMP sequence variant interpretation guidelines (Richards et al. 2015 PMID: 25741868, with internal and published modifications).

NM_001286611.2(REPS1):c.2037A>C (p.Glu679Asp)

Gene: REPS1 (RALBP1 associated Eps domain containing 1; minus strand). Cytogenetic location: 6q24.1.
Variant type: single nucleotide variant.
Coding change: c.2037A>C on transcript NM_001286611.2 (MANE Select); coding-DNA position 2037, A replaced by C.
Protein change: p.Glu679Asp; replaces glutamic acid 679 with aspartic acid.
Molecular consequence: missense variant.
Genome position (GRCh38, 1-based): chr6:138,911,306, T>G on the plus strand (A>C on the coding strand, the complement: REPS1 is on the minus strand). VCF-style: chr6-138911306-T-G. GRCh37 (hg19) VCF-style: chr6-139232443-T-G.
Other names: c.2037A>C (NM_001286611.1); c.1956A>C, p.Glu652Asp (NM_001128617.3); c.1764A>C, p.Glu588Asp (NM_001286612.2); c.2034A>C, p.Glu678Asp (NM_031922.5); short protein forms E588D, E652D, E678D, E679D.
Identifiers: ClinVar variation 1166689 (VCV001166689.11), dbSNP rs76082832, ClinGen allele CA4023970.